The following is an entry in ClinVar:

NM_001005498.4(RHBDF2):c.1684A>G (p.Met562Val)

Gene: RHBDF2 (rhomboid 5 homolog 2; minus strand). Cytogenetic location: 17q25.1.
Variant type: single nucleotide variant.
Coding change: c.1684A>G on transcript NM_001005498.4 (MANE Select); coding-DNA position 1684, A replaced by G.
Protein change: p.Met562Val; replaces methionine 562 with valine.
Molecular consequence: missense variant. On other transcripts: non-coding transcript variant (3).
Genome position (GRCh38, 1-based): chr17:76,473,697, T>C on the plus strand (A>G on the coding strand, the complement: RHBDF2 is on the minus strand). VCF-style: chr17-76473697-T-C. GRCh37 (hg19) VCF-style: chr17-74469779-T-C.
Other names: c.1684A>G, p.Met562Val (NM_001376228.1, NM_001376229.1, NM_001376230.1); c.1771A>G, p.Met591Val (NM_024599.5); short protein forms M591V, M562V.
Identifiers: ClinVar variation 325430 (VCV000325430.16), dbSNP rs73998915, ClinGen allele CA8786893.

ClinVar aggregate classification (germline): Benign/Likely benign. Review status: criteria provided, multiple submitters, no conflicts (2 of 4 stars). 6 submissions from 6 submitters: Benign (5); Likely benign (1). Last evaluated 2026-02-03.

Conditions:
RHBDF2-related disorder. Also called: RHBDF2-related condition.
Palmoplantar keratoderma-esophageal carcinoma syndrome (TOC). Also called: PALMOPLANTAR KERATODERMA WITH ESOPHAGEAL CANCER; Tylosis with Esophageal Cancer; KERATOSIS PALMARIS ET PLANTARIS WITH ESOPHAGEAL CANCER. Identifiers: Orphanet 2198, MedGen C1835664, MONDO:0007856, OMIM 148500.

Allele frequency attached by ClinVar (database versions not stated): 1000 Genomes Project 0.01637; 1000 Genomes Project 30x 0.01718; gnomAD 0.02086; TOPMed 0.02259; ESP Exome Variant Server 0.02576.
gnomAD v4.1: 37,425 of 1,612,490 alleles (2.3%); highest among the groups gnomAD compares: African/African-American, 2.7%; 489 homozygotes.

Submissions (6):

Labcorp Genetics (formerly Invitae), Labcorp
Classification: Benign. Last evaluated: 2026-02-03. Review status: criteria provided, single submitter. Criteria: Invitae Variant Classification Sherloc (09022015). Collection method: clinical testing. Allele origin: germline.

Dasa
Classification: Benign. Last evaluated: 2026-01-05. Review status: criteria provided, single submitter. Criteria: DASA Assertion Criteria. Collection method: clinical testing. Allele origin: germline.
Comment: NM_001005498.4(RHBDF2):c.1684A>G (p.Met562Val) is a missense variant that results in the substitution of methionine with valine. Population frequency is inconsistent with a disease-causing role for this variant, and observations in unaffected individuals support a benign interpretation. Computational prediction algorithms are consistent with a benign effect. Therefore, based on the currently available evidence, this variant is classified as benign.

PreventionGenetics, part of Exact Sciences
Classification: Benign for RHBDF2-related condition. Last evaluated: 2025-04-02. Review status: criteria provided, single submitter. Criteria: ACMG Guidelines, 2015. Collection method: clinical testing. Allele origin: germline.
Comment: This variant is classified as benign based on ACMG/AMP sequence variant interpretation guidelines (Richards et al. 2015 PMID: 25741868, with internal and published modifications).

KCCC/NGS Laboratory, Kuwait Cancer Control Center
Classification: Likely benign for Palmoplantar keratoderma-esophageal carcinoma syndrome. Last evaluated: 2023-07-07. Review status: criteria provided, single submitter. Criteria: ACMG Guidelines, 2015. Collection method: clinical testing. Allele origin: germline. Affected: yes.

Illumina Laboratory Services, Illumina
Classification: Benign for Palmoplantar keratoderma-esophageal carcinoma syndrome. Last evaluated: 2018-01-12. Review status: criteria provided, single submitter. Criteria: ICSL Variant Classification Criteria 13 December 2019. Collection method: clinical testing. Allele origin: germline.
Comment: This variant was observed in the ICSL laboratory as part of a predisposition screen in an ostensibly healthy population. It had not been previously curated by ICSL or reported in the Human Gene Mutation Database (HGMD: prior to June 1st, 2018), and was therefore a candidate for classification through an automated scoring system. Utilizing variant allele frequency, disease prevalence and penetrance estimates, and inheritance mode, an automated score was calculated to assess if this variant is too frequent to cause the disease. Based on the score and internal cut-off values, a variant classified as benign is not then subjected to further curation. The score for this variant resulted in a classification of benign for this disease.

Breakthrough Genomics
Classification: Benign. Review status: criteria provided, single submitter. Criteria: ACMG Guidelines, 2015. Collection method: not provided. Allele origin: germline. Inheritance: Autosomal dominant inheritance. Affected: yes.